The following is an entry in ClinVar:

ClinVar aggregate classification (germline): Uncertain significance (1 of 4 stars; one submission).

Conditions:
Werner syndrome (WRN). Identifiers: Orphanet 902, MedGen C0043119, MONDO:0010196, OMIM 277700.

Submission:

Labcorp Genetics (formerly Invitae), Labcorp
Classification: Uncertain significance for Werner syndrome. Last evaluated: 2024-03-06. Review status: criteria provided, single submitter. Criteria: Invitae Variant Classification Sherloc (09022015). Collection method: clinical testing. Allele origin: germline.
Comment: This sequence change replaces alanine, which is neutral and non-polar, with glycine, which is neutral and non-polar, at codon 701 of the WRN protein (p.Ala701Gly). This variant is not present in population databases (gnomAD no frequency). This variant has not been reported in the literature in individuals affected with WRN-related conditions. ClinVar contains an entry for this variant (Variation ID: 2101622). An algorithm developed to predict the effect of missense changes on protein structure and function (PolyPhen-2) suggests that this variant is likely to be disruptive. In summary, the available evidence is currently insufficient to determine the role of this variant in disease. Therefore, it has been classified as a Variant of Uncertain Significance.

NM_000553.6(WRN):c.2102C>G (p.Ala701Gly)

Gene: WRN (WRN RecQ like helicase; plus strand). Cytogenetic location: 8p12.
Variant type: single nucleotide variant.
Coding change: c.2102C>G on transcript NM_000553.6 (MANE Select); coding-DNA position 2102, C replaced by G.
Protein change: p.Ala701Gly; replaces alanine 701 with glycine.
Molecular consequence: missense variant.
Genome position (GRCh38, 1-based): chr8:31,111,628, C>G. VCF-style: chr8-31111628-C-G. GRCh37 (hg19) VCF-style: chr8-30969144-C-G.
Other names: short protein forms A701G.
Identifiers: ClinVar variation 2101622 (VCV002101622.3), dbSNP rs904972234, ClinGen allele CA370912397.